The following is an entry in ClinVar:

ClinVar aggregate classification (germline): Uncertain significance (1 of 4 stars; one submission).

Conditions:
Autosomal recessive limb-girdle muscular dystrophy type 2A (LGMDR1). Also called: LEYDEN-MOEBIUS MUSCULAR DYSTROPHY; MUSCULAR DYSTROPHY, PELVOFEMORAL; Calpainopathy; Muscular dystrophy, limb-girdle, type 2A, Amish; Limb-girdle muscular dystrophy, type 2A. Identifiers: Orphanet 267, MedGen C1869123, MONDO:0009675, OMIM 253600. Disease mechanism: loss of function.

Submission:

Labcorp Genetics (formerly Invitae), Labcorp
Classification: Uncertain significance for Autosomal recessive limb-girdle muscular dystrophy type 2A. Last evaluated: 2021-04-19. Review status: criteria provided, single submitter. Criteria: Invitae Variant Classification Sherloc (09022015). Collection method: clinical testing. Allele origin: germline.
Comment: This sequence change replaces leucine with proline at codon 426 of the CAPN3 protein (p.Leu426Pro). The leucine residue is moderately conserved and there is a moderate physicochemical difference between leucine and proline. This variant is not present in population databases (ExAC no frequency). In summary, the available evidence is currently insufficient to determine the role of this variant in disease. Therefore, it has been classified as a Variant of Uncertain Significance. Algorithms developed to predict the effect of missense changes on protein structure and function are either unavailable or do not agree on the potential impact of this missense change (SIFT: "Deleterious"; PolyPhen-2: "Benign"; Align-GVGD: "Class C0"). This variant has not been reported in the literature in individuals with CAPN3-related conditions.

NM_000070.3(CAPN3):c.1277T>C (p.Leu426Pro)

Gene: CAPN3 (calpain 3; plus strand). Cytogenetic location: 15q15.1.
Variant type: single nucleotide variant.
Coding change: c.1277T>C on transcript NM_000070.3 (MANE Select); coding-DNA position 1277, T replaced by C.
Protein change: p.Leu426Pro; replaces leucine 426 with proline.
Molecular consequence: missense variant.
Genome position (GRCh38, 1-based): chr15:42,399,575, T>C. VCF-style: chr15-42399575-T-C. GRCh37 (hg19) VCF-style: chr15-42691773-T-C.
Other names: c.1277T>C, p.Leu426Pro (NM_024344.2); c.1133T>C, p.Leu378Pro (NM_173087.2); short protein forms L378P, L426P.
Identifiers: ClinVar variation 1409254 (VCV001409254.8), dbSNP rs2141193792, ClinGen allele CA391999494.